The following is an entry in ClinVar:

ClinVar aggregate classification (germline): Uncertain significance. Review status: criteria provided, multiple submitters, no conflicts (2 of 4 stars). 2 submissions from 2 submitters: Uncertain significance (2). Last evaluated 2025-02-28.

Conditions:
Hereditary breast ovarian cancer syndrome. Also called: Hereditary breast and ovarian cancer syndrome; Hereditary breast and/or ovarian cancer syndrome; Hereditary breast and ovarian cancer syndrome (HBOC); Hereditary breast and ovarian cancer; Breast and ovarian cancer; BRCA1- and BRCA2-Associated Hereditary Breast and Ovarian Cancer. Identifiers: Orphanet 145, MedGen C0677776, MeSH D061325, MONDO:0003582. Disease mechanism: loss of function.

Allele frequency attached by ClinVar (database versions not stated): gnomAD exomes below 0.00001 and 0.00002; ExAC 0.00003; TOPMed 0.00007; gnomAD 0.00010 and 0.00011; ESP Exome Variant Server 0.00031.
gnomAD v4.1: 25 of 1,605,950 alleles (0.0016%); highest among the groups gnomAD compares: African/African-American, 0.028%; no homozygotes.

Submissions (2):

Labcorp Genetics (formerly Invitae), Labcorp
Classification: Uncertain significance. Last evaluated: 2025-02-28. Review status: criteria provided, single submitter. Criteria: Invitae Variant Classification Sherloc (09022015). Collection method: clinical testing. Allele origin: germline.
Comment: This sequence change replaces histidine, which is basic and polar, with asparagine, which is neutral and polar, at codon 587 of the JAK2 protein (p.His587Asn). This variant is present in population databases (rs149705816, gnomAD 0.03%). This variant has not been reported in the literature in individuals affected with JAK2-related conditions. ClinVar contains an entry for this variant (Variation ID: 981875). Invitae Evidence Modeling of protein sequence and biophysical properties (such as structural, functional, and spatial information, amino acid conservation, physicochemical variation, residue mobility, and thermodynamic stability) indicates that this missense variant is not expected to disrupt JAK2 protein function with a negative predictive value of 80%. In summary, the available evidence is currently insufficient to determine the role of this variant in disease. Therefore, it has been classified as a Variant of Uncertain Significance.

Molecular Oncology Research Center, Barretos Cancer Hospital
Classification: Uncertain significance for Hereditary breast ovarian cancer syndrome. Last evaluated: 2020-08-01. Review status: criteria provided, single submitter. Criteria: ACMG Guidelines, 2015. Collection method: research. Allele origin: germline. Affected: yes. Observed: 1 variant allele.

NM_004972.4(JAK2):c.1759C>A (p.His587Asn)

Genes: JAK2 (Janus kinase 2; plus strand), INSL6 (insulin like 6; minus strand). Cytogenetic location: 9p24.1.
Variant type: single nucleotide variant.
Coding change: c.1759C>A on transcript NM_004972.4 (MANE Select); coding-DNA position 1759, C replaced by A.
Protein change: p.His587Asn; replaces histidine 587 with asparagine.
Molecular consequence: missense variant. On other transcripts: non-coding transcript variant (2).
Genome position (GRCh38, 1-based): chr9:5,072,609, C>A. VCF-style: chr9-5072609-C-A. GRCh37 (hg19) VCF-style: chr9-5072609-C-A.
Other names: c.1759C>A, p.His587Asn (NM_001322194.2, NM_001322195.2, NM_001322196.2); c.544C>A, p.His182Asn (NM_001322198.2, NM_001322199.2); c.1312C>A, p.His438Asn (NM_001322204.2); short protein forms H182N, H438N, H587N.
Identifiers: ClinVar variation 981875 (VCV000981875.2), dbSNP rs149705816, ClinGen allele CA4971949.